The following is an entry in ClinVar:

ClinVar aggregate classification (germline): Conflicting classifications of pathogenicity. Review status: criteria provided, conflicting classifications (1 of 4 stars). 4 submissions from 4 submitters: Uncertain significance (2); Likely benign (2). Last evaluated 2026-04-13.

Conditions:
Inborn genetic diseases. Identifiers: MedGen C0950123, MeSH D030342.
RIN2 syndrome. Also called: TALL FOREHEAD, SPARSE HAIR, SKIN HYPEREXTENSIBILITY, AND SCOLIOSIS; MACS SYNDROME. Identifiers: Orphanet 217335, MedGen C2751321, MONDO:0013115, OMIM 613075.

Allele frequency attached by ClinVar (database versions not stated): gnomAD exomes 0.00002; gnomAD 0.00001; TOPMed 0.00001; 1000 Genomes Project 0.00020; 1000 Genomes Project 30x 0.00016.
gnomAD v4.1: 25 of 1,545,226 alleles (0.0016%); highest among the groups gnomAD compares: East Asian, 0.027%; no homozygotes.

Submissions (4):

GeneDx
Classification: Uncertain significance. Last evaluated: 2026-04-13. Review status: criteria provided, single submitter. Criteria: GeneDx Variant Classification Process June 2021. Collection method: clinical testing. Allele origin: germline.
Comment: Not observed at significant frequency in large population cohorts (gnomAD); In silico analysis suggests that this missense variant does not alter protein structure/function; Has not been previously published as pathogenic or benign to our knowledge

Ambry Genetics
Classification: Likely benign for Inborn genetic diseases. Last evaluated: 2025-09-10. Review status: criteria provided, single submitter. Criteria: Ambry Variant Classification Scheme 2023. Collection method: clinical testing. Allele origin: germline.

3billion
Classification: Likely benign for RIN2 syndrome. Last evaluated: 2024-09-20. Review status: criteria provided, single submitter. Criteria: ACMG Guidelines, 2015. Collection method: clinical testing. Allele origin: germline. Affected: no.
Comment: The homozygous variant was found in patients diagnosed with another variant in a different gene, with no symptoms related to the gene containing the homozygous variant.

Labcorp Genetics (formerly Invitae), Labcorp
Classification: Uncertain significance. Last evaluated: 2022-04-07. Review status: criteria provided, single submitter. Criteria: Invitae Variant Classification Sherloc (09022015). Collection method: clinical testing. Allele origin: germline.
Comment: This sequence change replaces glycine, which is neutral and non-polar, with serine, which is neutral and polar, at codon 10 of the RIN2 protein (p.Gly10Ser). The frequency data for this variant in the population databases is considered unreliable, as metrics indicate poor data quality at this position in the gnomAD database. This variant has not been reported in the literature in individuals affected with RIN2-related conditions. Algorithms developed to predict the effect of missense changes on protein structure and function output the following: SIFT: "Tolerated"; PolyPhen-2: "Not Available"; Align-GVGD: "Class C0". The serine amino acid residue is found in multiple mammalian species, which suggests that this missense change does not adversely affect protein function. Algorithms developed to predict the effect of sequence changes on RNA splicing suggest that this variant may create or strengthen a splice site. In summary, the available evidence is currently insufficient to determine the role of this variant in disease. Therefore, it has been classified as a Variant of Uncertain Significance.

NM_018993.4(RIN2):c.28G>A (p.Gly10Ser)

Gene: RIN2 (Ras and Rab interactor 2; plus strand). Cytogenetic location: 20p11.23.
Variant type: single nucleotide variant.
Coding change: c.28G>A on transcript NM_018993.4 (MANE Select); coding-DNA position 28, G replaced by A.
Protein change: p.Gly10Ser; replaces glycine 10 with serine.
Molecular consequence: missense variant. On other transcripts: 5 prime UTR variant (1).
Genome position (GRCh38, 1-based): chr20:19,889,629, G>A. VCF-style: chr20-19889629-G-A. GRCh37 (hg19) VCF-style: chr20-19870273-G-A.
Other names: c.28G>A (NM_018993.3); c.175G>A, p.Gly59Ser (NM_001242581.2); c.-518G>A (NM_001378238.1); short protein forms G59S, G10S.
Identifiers: ClinVar variation 1359762 (VCV001359762.9), dbSNP rs535994976, ClinGen allele CA312907529.